The following is an entry in ClinVar:

NM_006790.3(MYOT):c.524G>T (p.Gly175Val)

Genes: PKD2L2-DT (PKD2L2 divergent transcript; minus strand), MYOT (myotilin; plus strand). Cytogenetic location: 5q31.2.
Variant type: single nucleotide variant.
Coding change: c.524G>T on transcript NM_006790.3 (MANE Select); coding-DNA position 524, G replaced by T.
Protein change: p.Gly175Val; replaces glycine 175 with valine.
Molecular consequence: missense variant. On other transcripts: 5 prime UTR variant (1).
Genome position (GRCh38, 1-based): chr5:137,875,996, G>T. VCF-style: chr5-137875996-G-T. GRCh37 (hg19) VCF-style: chr5-137211685-G-T.
Other names: c.-29G>T (NM_001135940.2); c.179G>T, p.Gly60Val (NM_001300911.2); short protein forms G60V, G175V.
Identifiers: ClinVar variation 2041943 (VCV002041943.4), dbSNP rs1304612966, ClinGen allele CA361054534.
Genomic context (GRCh38, chr5:137,875,996, plus strand): 5'-AAGCTTTGATTCAAGATTTGGAAAGAAAGCTGAAATGCAAGGACACCCTTCTTCATAATG[G>T]AAATCAAGTGGGCAAGATGTCTATTTTGTACAAAAGGCCAATTAAACTATAAAATCTAAT-3'
Protein context (NP_006781.1, residues 165-185): LKCKDTLLHN[Gly175Val]NQRLTYEEKM

ClinVar aggregate classification (germline): Uncertain significance (1 of 4 stars; one submission).

Conditions:
Myofibrillar myopathy 3 (MFM3). Also called: Muscular dystrophy, proximal, type 1A; Autosomal dominant spheroid body myopathy. Identifiers: Orphanet 266, Orphanet 268129, MedGen C3714934, MONDO:0012215, OMIM 609200.

gnomAD v4.1: 2 of 1,613,834 alleles (0.00012%); highest among the groups gnomAD compares: Non-Finnish European, 0.00017%; no homozygotes.

Submission:

Labcorp Genetics (formerly Invitae), Labcorp
Classification: Uncertain significance for Myofibrillar myopathy 3. Last evaluated: 2025-09-30. Review status: criteria provided, single submitter. Criteria: Invitae Variant Classification Sherloc (09022015). Collection method: clinical testing. Allele origin: germline.
Comment: This sequence change replaces glycine, which is neutral and non-polar, with valine, which is neutral and non-polar, at codon 175 of the MYOT protein (p.Gly175Val). This variant is not present in population databases (gnomAD no frequency). This variant has not been reported in the literature in individuals affected with MYOT-related conditions. ClinVar contains an entry for this variant (Variation ID: 2041943). An algorithm developed to predict the effect of missense changes on protein structure and function (PolyPhen-2) suggests that this variant is likely to be disruptive. Algorithms developed to predict the effect of sequence changes on RNA splicing suggest that this variant may create or strengthen a splice site. In summary, the available evidence is currently insufficient to determine the role of this variant in disease. Therefore, it has been classified as a Variant of Uncertain Significance.